The following is an entry in ClinVar:

NM_032575.3(GLIS2):c.1476G>A (p.Thr492=)

Gene: GLIS2 (GLIS family zinc finger 2; plus strand). Cytogenetic location: 16p13.3.
Variant type: single nucleotide variant.
Coding change: c.1476G>A on transcript NM_032575.3 (MANE Select); coding-DNA position 1476, G replaced by A.
Protein change: p.Thr492=; no amino-acid change (threonine 492 retained).
Molecular consequence: synonymous variant.
Genome position (GRCh38, 1-based): chr16:4,337,425, G>A. VCF-style: chr16-4337425-G-A. GRCh37 (hg19) VCF-style: chr16-4387426-G-A.
Other names: c.1476G>A, p.Thr492= (NM_001318918.2).
Identifiers: ClinVar variation 319225 (VCV000319225.32), dbSNP rs140403969, ClinGen allele CA7873277.
Genomic context (GRCh38, chr16:4,337,425, plus strand): 5'-CTCCCGGCCAAGCCCCGATGGACTCCCCCTGCTGCCAGGCACCGTGCTGGACCTGTCCAC[G>A]GGCGTCAACTCAGCTGCCAGCAGCCCAGAGGCGTTGGCCCCTGGCTGGGTGGTCATCCCG-3'
Protein context (NP_115964.2, residues 482-502): LLPGTVLDLS[Thr492=]GVNSAASSPE

ClinVar aggregate classification (germline): Benign/Likely benign. Review status: criteria provided, multiple submitters, no conflicts (2 of 4 stars). 6 submissions from 6 submitters: Benign (3); Likely benign (2). 1 of the submissions does not count toward it. Last evaluated 2026-01-19.

Conditions:
Nephronophthisis 7 (NPHP7). Identifiers: Orphanet 655, MedGen C1969092, MONDO:0012680, OMIM 611498.
GLIS2-related disorder. Also called: GLIS2-related condition.
Nephronophthisis. Also called: Juvenile Nephronophthisis. Identifiers: Orphanet 655, MedGen C0687120, MONDO:0019005, HP:0000090.

Allele frequency attached by ClinVar (database versions not stated): 1000 Genomes Project 30x 0.00172; ESP Exome Variant Server 0.00179; 1000 Genomes Project 0.00180; gnomAD exomes 0.00469 and 0.00879; TOPMed 0.00526; gnomAD 0.00598 and 0.00608; ExAC 0.00775.

Submissions (6):

Labcorp Genetics (formerly Invitae), Labcorp
Classification: Benign for Nephronophthisis. Last evaluated: 2026-01-19. Review status: criteria provided, single submitter. Criteria: Invitae Variant Classification Sherloc (09022015). Collection method: clinical testing. Allele origin: germline.

CeGaT Center for Human Genetics Tuebingen
Classification: Benign. Last evaluated: 2024-11-01. Review status: criteria provided, single submitter. Criteria: CeGaT Center For Human Genetics Tuebingen Variant Classification Criteria Version 2. Collection method: clinical testing. Allele origin: germline. Affected: yes. Observed: 1 variant allele.
Comment: ENSG00000262712: BS1, BS2; GLIS2: BP4, BP7, BS1, BS2

GeneDx
Classification: Benign. Last evaluated: 2021-05-05. Review status: criteria provided, single submitter. Criteria: GeneDx Variant Classification Process June 2021. Collection method: clinical testing. Allele origin: germline. Affected: yes.

Illumina Laboratory Services, Illumina
Classification: Likely benign for Nephronophthisis 7. Last evaluated: 2018-01-12. Review status: criteria provided, single submitter. Criteria: ICSL Variant Classification Criteria 13 December 2019. Collection method: clinical testing. Allele origin: germline.
Comment: This variant was observed in the ICSL laboratory as part of a predisposition screen in an ostensibly healthy population. It had not been previously curated by ICSL or reported in the Human Gene Mutation Database (HGMD: prior to June 1st, 2018), and was therefore a candidate for classification through an automated scoring system. Utilizing variant allele frequency, disease prevalence and penetrance estimates, and inheritance mode, an automated score was calculated to assess if this variant is too frequent to cause the disease. Based on the score and internal cut-off values, a variant classified as likely benign is not then subjected to further curation. The score for this variant resulted in a classification of likely benign for this disease.

Breakthrough Genomics
Classification: Likely benign. Review status: criteria provided, single submitter. Criteria: ACMG Guidelines, 2015. Collection method: not provided. Allele origin: germline. Inheritance: Unknown mechanism. Affected: yes.

PreventionGenetics, part of Exact Sciences
Classification: Benign for GLIS2-related condition. Last evaluated: 2019-05-22. Review status: no assertion criteria provided. Collection method: clinical testing. Allele origin: germline. Not counted in ClinVar's aggregate classification.
Comment: This variant is classified as benign based on ACMG/AMP sequence variant interpretation guidelines (Richards et al. 2015 PMID: 25741868, with internal and published modifications).